The following is an entry in ClinVar:

NM_014467.3(SRPX2):c.224A>T (p.Lys75Met)

Gene: SRPX2 (sushi repeat containing protein X-linked 2; plus strand). Cytogenetic location: Xq22.1.
Variant type: single nucleotide variant.
Coding change: c.224A>T on transcript NM_014467.3 (MANE Select); coding-DNA position 224, A replaced by T.
Protein change: p.Lys75Met; replaces lysine 75 with methionine.
Molecular consequence: missense variant.
Genome position (GRCh38, 1-based): chrX:100,662,236, A>T. VCF-style: chrX-100662236-A-T. GRCh37 (hg19) VCF-style: chrX-99917233-A-T.
Other names: p.K75M:AAG>ATG; short protein forms K75M.
Identifiers: ClinVar variation 207387 (VCV000207387.16), dbSNP rs767072861, ClinGen allele CA318800.

ClinVar aggregate classification (germline): Conflicting classifications of pathogenicity. Review status: criteria provided, conflicting classifications (1 of 4 stars). 3 submissions from 3 submitters: Uncertain significance (1); Likely benign (2). Last evaluated 2024-09-19.

Conditions:
Rolandic epilepsy, impaired intellectual development, and speech dyspraxia, X-linked. Also called: Rolandic epilepsy, intellectual disability, and speech dyspraxia, X-linked; Rolandic epilepsy, impaired intellectual development, and speech dyspraxia. Identifiers: MedGen C1845070, MONDO:0010388, OMIM 300643.

Allele frequency attached by ClinVar (database versions not stated): gnomAD 0.00005; ExAC 0.00011; TOPMed 0.00014; gnomAD exomes 0.00015.

Submissions (3):

Labcorp Genetics (formerly Invitae), Labcorp
Classification: Likely benign for Rolandic epilepsy, impaired intellectual development, and speech dyspraxia, X-linked. Last evaluated: 2024-09-19. Review status: criteria provided, single submitter. Criteria: Invitae Variant Classification Sherloc (09022015). Collection method: clinical testing. Allele origin: germline.

Eurofins Ntd Llc (ga)
Classification: Likely benign. Last evaluated: 2017-09-20. Review status: criteria provided, single submitter. Criteria: EGL Classification Definitions 2015. Collection method: clinical testing. Allele origin: germline. Observed: 1 variant allele, 1 hemizygote.

GeneDx
Classification: Uncertain significance. Last evaluated: 2013-05-01. Review status: criteria provided, single submitter. Criteria: GeneDx Variant Classification (06012015). Collection method: clinical testing. Allele origin: germline. Affected: yes.
Comment: The Lys75Met missense change has not been published as a mutation, nor has it been reported as a benign polymorphism to our knowledge. It was not observed in approximately 5,200 individuals of European and African American ancestry in the NHLBI Exome Sequencing Project, indicating it is not a common benign variant in these populations. The amino acid substitution is non-conservative as a positively charged, polar Lysine residue is replaced by an uncharged, non-polar Methionine residue. Lys75Met alters a position in the Sushi 1 domain that is conserved among positively charged amino acids in the SRPX2 protein and another missense mutation at a nearby codon (Tyr72Ser) has been reported in an individual with bilateral perisylvian polymicrogyria and Rolandic seizures (Roll et al., 2006). However, several in-silico algorithms predict Lys75Met may be non-pathogenic. Therefore, based on the currently available information, it is unclear whether Lys75Met is a disease-causing mutation or a rare benign variant. Mutations in the SRPX2 gene are inherited in an X-linked manner. Heterozygous females were reported to have a range of clinical phenotypes from no history of speech delay or epilepsy to severe oral-facial dyspraxia, intellectual disability, and Rolandic seizures (Roll et al., 2006). Mutations elsewhere in the evaluated gene would not be identified by this targeted analysis. The variant is found in EPILEPSY panel(s).